The following is an entry in ClinVar:

ClinVar aggregate classification (germline): Likely pathogenic. Review status: criteria provided, multiple submitters, no conflicts (2 of 4 stars). 3 submissions from 3 submitters: Likely pathogenic (3). Last evaluated 2026-09-08.

Conditions:
Fabry disease. Also called: Angiokeratoma corporis diffusum; GLA DEFICIENCY; HEREDITARY DYSTOPIC LIPIDOSIS; Ceramide trihexosidosis; Fabry's disease; ALPHA-GALACTOSIDASE A DEFICIENCY. Identifiers: Orphanet 324, MedGen C0002986, MONDO:0010526, OMIM 301500, HP:0001071. Disease mechanism: Fabry disease is due to inactivating mutations in the X-linked GLA gene resulting in deficiency of the enzyme Alpha Galactosidase-A., loss of function.

Submissions (3):

Genomenon, Inc
Classification: Likely pathogenic for Fabry disease. Last evaluated: 2026-09-08. Review status: criteria provided, single submitter. Criteria: Genomenon Sequence Variant Interpretation Standards - Updated. Collection method: curation. Allele origin: germline. Affected: yes.
Comment: GLA p.Gly260Arg (c.778G>A) is a missense variant that changes the amino acid at codon 260 from Glycine to Arginine. This variant has been observed in at least one proband with clinical features consistent with Fabry disease (PMID:29631605;37940383;36165155;25974833). The variant was found to segregate with disease in at least one affected family (PMID:29631605). Functional or patient cell studies have been reported (PMID:25974833;29631605). This variant is located in a mutational hotspot and/or important functional domain. It is absent or not present at a significant frequency in gnomAD. In silico models predict that this variant is possibly or probably damaging. In conclusion, we classify GLA p.Gly260Arg (c.778G>A) as a likely pathogenic variant.

Myriad Genetics, Inc.
Classification: Likely pathogenic for Fabry disease. Last evaluated: 2026-06-23. Review status: criteria provided, single submitter. Criteria: Myriad Autosomal Dominant, Autosomal Recessive and X-Linked Classification Criteria (2023). Collection method: clinical testing. Allele origin: unknown.
Comment: NM_000169.2(GLA):c.778G>A(G260R) is a missense variant classified as likely pathogenic in the context of Fabry disease. G260R has been observed in cases with relevant disease (PMID: 29631605, 25974833, 33714629, 37940383). Relevant functional assessments of this variant are not available in the literature. G260R has not been observed in referenced population frequency databases. In summary, NM_000169.2(GLA):c.778G>A(G260R) is a missense variant that has been observed more frequently in cases with the relevant disease than in healthy populations. Please note: this variant was assessed in the context of healthy population screening.

Labcorp Genetics (formerly Invitae), Labcorp
Classification: Likely pathogenic for Fabry disease. Last evaluated: 2020-03-05. Review status: criteria provided, single submitter. Criteria: Invitae Variant Classification Sherloc (09022015). Collection method: clinical testing. Allele origin: germline.
Comment: This sequence change replaces glycine with arginine at codon 260 of the GLA protein (p.Gly260Arg). The glycine residue is highly conserved and there is a moderate physicochemical difference between glycine and arginine. This variant is not present in population databases (ExAC no frequency). This variant has been observed in individual(s) with Fabry disease (PMID: 25974833, Invitae). Algorithms developed to predict the effect of missense changes on protein structure and function (SIFT, PolyPhen-2, Align-GVGD) all suggest that this variant is likely to be disruptive, but these predictions have not been confirmed by published functional studies and their clinical significance is uncertain. This variant disrupts the p.Gly260 amino acid residue in GLA. Other variant(s) that disrupt this residue have been observed in individuals with GLA-related conditions (PMID: 7575533, 18057066, 25974833), which suggests that this may be a clinically significant amino acid residue. In summary, the currently available evidence indicates that the variant is pathogenic, but additional data are needed to prove that conclusively. Therefore, this variant has been classified as Likely Pathogenic.

Literature cited by the submitters: PubMed 29631605 (cited by Genomenon, Inc and Myriad Genetics, Inc.); PubMed 37940383 (cited by Genomenon, Inc and Myriad Genetics, Inc.); PubMed 36165155 (cited by Genomenon, Inc); PubMed 25974833 (cited by 3 submitters); PubMed 33714629 (cited by Myriad Genetics, Inc.); PubMed 7575533 (cited by Labcorp Genetics (formerly Invitae), Labcorp); PubMed 18057066 (cited by Labcorp Genetics (formerly Invitae), Labcorp).

NM_000169.3(GLA):c.778G>A (p.Gly260Arg)

Genes: GLA (galactosidase alpha; minus strand), RPL36A-HNRNPH2 (RPL36A-HNRNPH2 readthrough; plus strand). Cytogenetic location: Xq22.1.
Variant type: single nucleotide variant.
Coding change: c.778G>A on transcript NM_000169.3 (MANE Select); coding-DNA position 778, G replaced by A.
Protein change: p.Gly260Arg; replaces glycine 260 with arginine.
Molecular consequence: missense variant. On other transcripts: non-coding transcript variant (3), intron variant (2).
Genome position (GRCh38, 1-based): chrX:101,398,808, C>T on the plus strand (G>A on the coding strand, the complement: GLA is on the minus strand). VCF-style: chrX-101398808-C-T. GRCh37 (hg19) VCF-style: chrX-100653796-C-T.
Other names: c.901G>A, p.Gly301Arg (NM_001406747.1); c.778G>A, p.Gly260Arg (NM_001406748.1); c.300+3351C>T (NM_001199973.2); c.177+6986C>T (NM_001199974.2); short protein forms G260R, G301R.
Identifiers: ClinVar variation 1067733 (VCV001067733.12), dbSNP rs2147472959, ClinGen allele CA413923991.
Genomic context (GRCh38, chrX:101,398,808, plus strand): 5'-CCGCAGGGTCTTGAACAAGGAGGGCTCAAGTTTTTACCATATCTGGGTCATTCCAACCCC[C>T]TGGTCCAGCAACATCAACAATTCTCTCCTGGTTAAAAGATGTCCAGTCCAAGATACTCTT-3'
Protein context (NP_000160.1, residues 250-270): QERIVDVAGP[Gly260Arg]GWNDPDMLVI